The following is an entry in ClinVar:

ClinVar aggregate classification (germline): Uncertain significance (1 of 4 stars; one submission).

Conditions:
Methylcobalamin deficiency type cblG (HMAG). Also called: HOMOCYSTINURIA-MEGALOBLASTIC ANEMIA, cblG COMPLEMENTATION TYPE; HOMOCYSTINURIA-MEGALOBLASTIC ANEMIA, cblG TYPE; Functional methionine synthase deficiency type cblG; HOMOCYSTINURIA-MEGALOBLASTIC ANEMIA DUE TO DEFECT IN COBALAMIN METABOLISM, cblG COMPLEMENTATION TYPE. Identifiers: Orphanet 2170, Orphanet 622, MedGen C1855128, MONDO:0009609, OMIM 250940.

Allele frequency attached by ClinVar (database versions not stated): gnomAD exomes below 0.00001; ExAC 0.00001; gnomAD 0.00003 and 0.00004; TOPMed 0.00004; ESP Exome Variant Server 0.00008.

Submission:

Labcorp Genetics (formerly Invitae), Labcorp
Classification: Uncertain significance for Methylcobalamin deficiency type cblG. Last evaluated: 2022-08-16. Review status: criteria provided, single submitter. Criteria: Invitae Variant Classification Sherloc (09022015). Collection method: clinical testing. Allele origin: germline.
Comment: This sequence change replaces methionine, which is neutral and non-polar, with threonine, which is neutral and polar, at codon 119 of the MTR protein (p.Met119Thr). This variant is present in population databases (rs151161326, gnomAD 0.003%). This variant has not been reported in the literature in individuals affected with MTR-related conditions. ClinVar contains an entry for this variant (Variation ID: 1477083). Algorithms developed to predict the effect of missense changes on protein structure and function (SIFT, PolyPhen-2, Align-GVGD) all suggest that this variant is likely to be tolerated. In summary, the available evidence is currently insufficient to determine the role of this variant in disease. Therefore, it has been classified as a Variant of Uncertain Significance.

NM_000254.3(MTR):c.356T>C (p.Met119Thr)

Gene: MTR (5-methyltetrahydrofolate-homocysteine methyltransferase; plus strand). Cytogenetic location: 1q43.
Variant type: single nucleotide variant.
Coding change: c.356T>C on transcript NM_000254.3 (MANE Select); coding-DNA position 356, T replaced by C.
Protein change: p.Met119Thr; replaces methionine 119 with threonine.
Molecular consequence: missense variant. On other transcripts: 5 prime UTR variant (1).
Genome position (GRCh38, 1-based): chr1:236,808,720, T>C. VCF-style: chr1-236808720-T-C. GRCh37 (hg19) VCF-style: chr1-236972020-T-C.
Other names: c.356T>C, p.Met119Thr (NM_001291939.1); c.-753T>C (NM_001291940.2); short protein forms M119T.
Identifiers: ClinVar variation 1477083 (VCV001477083.3), dbSNP rs151161326, ClinGen allele CA1473716.